The following is an entry in ClinVar:

NM_006516.4(SLC2A1):c.-190G>C

Gene: SLC2A1 (solute carrier family 2 member 1; minus strand). Cytogenetic location: 1p34.2.
Variant type: single nucleotide variant.
Coding change: c.-190G>C on transcript NM_006516.4 (MANE Select); 190 bases upstream of the start codon, G replaced by C.
Molecular consequence: 5 prime UTR variant.
Genome position (GRCh38, 1-based): chr1:42,958,841, C>G on the plus strand (G>C on the coding strand, the complement: SLC2A1 is on the minus strand). VCF-style: chr1-42958841-C-G. GRCh37 (hg19) VCF-style: chr1-43424512-C-G.
Identifiers: ClinVar variation 297383 (VCV000297383.7), dbSNP rs114514007, ClinGen allele CA10609979.

ClinVar aggregate classification (germline): Benign. Review status: criteria provided, multiple submitters, no conflicts (2 of 4 stars). 8 submissions from 3 submitters: Benign (8). Last evaluated 2023-04-11.

Conditions:
Hereditary cryohydrocytosis with reduced stomatin. Also called: Stomatin-deficient cryohydrocytosis with neurologic defects; GLUT1 DEFICIENCY SYNDROME WITH PSEUDOHYPERKALEMIA AND HEMOLYSIS. Identifiers: Orphanet 168577, MedGen C1837206, MONDO:0012143, OMIM 608885.
Epilepsy, idiopathic generalized, susceptibility to, 12 (EIG12). Identifiers: MedGen C3553859, MONDO:0013919, OMIM 614847.
Dystonia 9 (DYT9). Also called: CHOREOATHETOSIS, KINESIGENIC, WITH EPISODIC ATAXIA AND SPASTICITY. Identifiers: Orphanet 53583, MedGen C1832855, MONDO:0010983, OMIM 601042.
Childhood onset GLUT1 deficiency syndrome 2. Also called: Exertion-induced paroxysmal dyskinesia; PAROXYSMAL EXERCISE-INDUCED DYSKINESIA WITH OR WITHOUT EPILEPSY AND/OR HEMOLYTIC ANEMIA; PAROXYSMAL EXERTION-INDUCED DYSTONIA WITH OR WITHOUT EPILEPSY AND/OR HEMOLYTIC ANEMIA; PED WITH OR WITHOUT EPILEPSY AND/OR HEMOLYTIC ANEMIA; Paroxysmal exercise-induced dystonia; PxMD-SLC2A1. Identifiers: Orphanet 98811, MedGen C1842534, MONDO:0012805, OMIM 612126.
Encephalopathy due to GLUT1 deficiency. Also called: Classic Glucose Transporter Type 1 Deficiency Syndrome; GLUCOSE TRANSPORT DEFECT, BLOOD-BRAIN BARRIER; De Vivo disease; Glucose transporter protein syndrome; GLUT1 deficiency syndrome 1, infantile onset, severe; GLUT1 deficiency syndrome 1. Identifiers: Orphanet 71277, MedGen C4551966, MONDO:0011724, OMIM 606777.

Allele frequency attached by ClinVar (database versions not stated): gnomAD 0.01556 and 0.01675; 1000 Genomes Project 0.01597; TOPMed 0.01721; 1000 Genomes Project 30x 0.01780.
gnomAD v4.1: 3,051 of 583,128 alleles (0.52%); highest among the groups gnomAD compares: African/African-American, 5.3%; 91 homozygotes.

Submissions (8):

Genome-Nilou Lab
Classification: Benign for Epilepsy, idiopathic generalized, susceptibility to, 12. Last evaluated: 2023-04-11. Review status: criteria provided, single submitter. Criteria: ACMG Guidelines, 2015. Collection method: clinical testing. Allele origin: germline. Affected: no.

Genome-Nilou Lab
Classification: Benign for Dystonia 9. Last evaluated: 2023-04-11. Review status: criteria provided, single submitter. Criteria: ACMG Guidelines, 2015. Collection method: clinical testing. Allele origin: germline. Affected: no.

Genome-Nilou Lab
Classification: Benign for Encephalopathy due to GLUT1 deficiency. Last evaluated: 2023-04-11. Review status: criteria provided, single submitter. Criteria: ACMG Guidelines, 2015. Collection method: clinical testing. Allele origin: germline. Affected: no.

Genome-Nilou Lab
Classification: Benign for Childhood onset GLUT1 deficiency syndrome 2. Last evaluated: 2023-04-11. Review status: criteria provided, single submitter. Criteria: ACMG Guidelines, 2015. Collection method: clinical testing. Allele origin: germline. Affected: no.

Genome-Nilou Lab
Classification: Benign for Hereditary cryohydrocytosis with reduced stomatin. Last evaluated: 2023-04-11. Review status: criteria provided, single submitter. Criteria: ACMG Guidelines, 2015. Collection method: clinical testing. Allele origin: germline. Affected: no.

GeneDx
Classification: Benign. Last evaluated: 2018-06-14. Review status: criteria provided, single submitter. Criteria: GeneDx Variant Classification (06012015). Collection method: clinical testing. Allele origin: germline. Affected: yes.
Comment: This variant is considered likely benign or benign based on one or more of the following criteria: it is a conservative change, it occurs at a poorly conserved position in the protein, it is predicted to be benign by multiple in silico algorithms, and/or has population frequency not consistent with disease.

Illumina Laboratory Services, Illumina
Classification: Benign for Dystonia 9. Last evaluated: 2018-01-13. Review status: criteria provided, single submitter. Criteria: ICSL Variant Classification Criteria 13 December 2019. Collection method: clinical testing. Allele origin: germline.
Comment: This variant was observed in the ICSL laboratory as part of a predisposition screen in an ostensibly healthy population. It had not been previously curated by ICSL or reported in the Human Gene Mutation Database (HGMD: prior to June 1st, 2018), and was therefore a candidate for classification through an automated scoring system. Utilizing variant allele frequency, disease prevalence and penetrance estimates, and inheritance mode, an automated score was calculated to assess if this variant is too frequent to cause the disease. Based on the score and internal cut-off values, a variant classified as benign is not then subjected to further curation. The score for this variant resulted in a classification of benign for this disease.

Illumina Laboratory Services, Illumina
Classification: Benign for Encephalopathy due to GLUT1 deficiency. Last evaluated: 2018-01-13. Review status: criteria provided, single submitter. Criteria: ICSL Variant Classification Criteria 13 December 2019. Collection method: clinical testing. Allele origin: germline.
Comment: the same text as in the submission from Illumina Laboratory Services, Illumina above.